The following is an entry in ClinVar:

ClinVar aggregate classification (germline): Conflicting classifications of pathogenicity. Review status: criteria provided, conflicting classifications (1 of 4 stars). 3 submissions from 3 submitters: Likely pathogenic (2); Uncertain significance (1). Last evaluated 2025-10-24.

Conditions:
Joubert syndrome 25 (JBTS25). Identifiers: Orphanet 475, MedGen C4084842, MONDO:0014770, OMIM 616781.
Joubert syndrome and related disorders. Identifiers: Orphanet 140874, MedGen C5679612, MONDO:0015369.

Allele frequency attached by ClinVar (database versions not stated): TOPMed 0.00003; gnomAD 0.00007.
gnomAD v4.1: 36 of 1,579,754 alleles (0.0023%); highest among the groups gnomAD compares: African/African-American, 0.021%; no homozygotes.

Submissions (4):

Labcorp Genetics (formerly Invitae), Labcorp
Classification: Likely pathogenic for Joubert syndrome 25. Last evaluated: 2025-10-24. Review status: criteria provided, single submitter. Criteria: Invitae Variant Classification Sherloc (09022015). Collection method: clinical testing. Allele origin: germline.
Comment: This sequence change affects a donor splice site in intron 11 of the CEP104 gene. It is expected to disrupt RNA splicing. Variants that disrupt the donor or acceptor splice site typically lead to a loss of protein function (PMID: 16199547), and loss-of-function variants in CEP104 are known to be pathogenic (PMID: 26477546). The frequency data for this variant in the population databases is considered unreliable, as metrics indicate poor data quality at this position in the gnomAD database. This variant has not been reported in the literature in individuals affected with CEP104-related conditions. ClinVar contains an entry for this variant (Variation ID: 1878385). Algorithms developed to predict the effect of sequence changes on RNA splicing suggest that this variant may disrupt the consensus splice site. In summary, the currently available evidence indicates that the variant is pathogenic, but additional data are needed to prove that conclusively. Therefore, this variant has been classified as Likely Pathogenic.

Blueprint Genetics
Classification: Uncertain significance. Last evaluated: 2024-08-30. Review status: criteria provided, single submitter. Criteria: ACMG Guidelines, 2015. Collection method: clinical testing. Allele origin: germline.

Women's Health and Genetics/Laboratory Corporation of America, LabCorp
Classification: Likely pathogenic for Joubert syndrome and related disorders. Last evaluated: 2022-12-25. Review status: criteria provided, single submitter. Criteria: LabCorp Variant Classification Summary - May 2015. Collection method: clinical testing. Allele origin: germline.
Comment: Variant summary: CEP104 c.1485+1G>A is located in a canonical splice-site and is predicted to affect mRNA splicing resulting in a significantly altered protein due to either exon skipping, shortening, or inclusion of intronic material. Several computational tools predict a significant impact on normal splicing: Four predict the variant abolishes the canonical 5' splicing donor site. However, these predictions have yet to be confirmed by functional studies. Other splice variants located downstream of this variant have been reported in association with a reported phenotype of Joubert Syndrome in the HGMD database. The variant allele was found at a frequency of 1e-05 in 198480 control chromosomes. To our knowledge, no occurrence of c.1485+1G>A in individuals affected with Joubert Syndrome And Related Disorders and no experimental evidence demonstrating its impact on protein function have been reported. No clinical diagnostic laboratories have submitted clinical-significance assessments for this variant to ClinVar after 2014. Based on the evidence outlined above, the variant was classified as likely pathogenic.

Dr. Peter K. Rogan Lab, Western University
No classification provided (evidence only). Condition: Sarcoma. Review status: no classification provided. Collection method: in vitro. Allele origin: not applicable. Functional consequence: retained intron. Not counted in ClinVar's aggregate classification.

Literature cited by the submitters: PubMed 16199547 (cited by Labcorp Genetics (formerly Invitae), Labcorp); PubMed 26477546 (cited by Labcorp Genetics (formerly Invitae), Labcorp).

NM_014704.4(CEP104):c.1485+1G>A

Gene: CEP104 (centrosomal protein 104; minus strand). Cytogenetic location: 1p36.32.
Variant type: single nucleotide variant.
Coding change: c.1485+1G>A on transcript NM_014704.4 (MANE Select); the canonical splice donor site of the intron after coding-DNA position 1485, G replaced by A.
Molecular consequence: splice donor variant.
Genome position (GRCh38, 1-based): chr1:3,834,924, C>T on the plus strand (G>A on the coding strand, the complement: CEP104 is on the minus strand). VCF-style: chr1-3834924-C-T. GRCh37 (hg19) VCF-style: chr1-3751488-C-T.
Other names: NC_000001.10:g.3751488C>T.
Identifiers: ClinVar variation 1878385 (VCV001878385.4), dbSNP rs781134558, ClinGen allele CA551594.
Genomic context (GRCh38, chr1:3,834,924, plus strand): 5'-GTGGTACGGCGCATGATCTCATCCATGCACGCTGGAGCCAGCGCCAGCTGAGGGCACTCA[C>T]GGAGGTCACAATGTCCTTTATGGCTCTTCTAACGAGAAAGACGGATGCTCTCAGTGTGTT-3'